The following is an entry in ClinVar:

ClinVar aggregate classification (germline): Uncertain significance. Review status: reviewed by expert panel (3 of 4 stars). 3 submissions from 3 submitters: Uncertain significance (1). 2 of the submissions do not count toward it. Last evaluated 2024-06-10.

Conditions:
Recombinase activating gene 2 deficiency. Also called: RAG2 deficiency. Identifiers: MedGen CN257931, MONDO:0000573.
Severe combined immunodeficiency, autosomal recessive, T cell-negative, B cell-negative, NK cell-positive. Also called: SCID, AR, T-cell negative, B-cell negative, NK cell-positive; Severe combined immunodeficiency due to complete RAG1/2 deficiency; SCID, T CELL-NEGATIVE, B CELL-NEGATIVE, NK CELL-POSITIVE. Identifiers: Orphanet 331206, MedGen C1832322, MONDO:0011086, OMIM 601457.
Combined immunodeficiency with skin granulomas. Identifiers: Orphanet 157949, MedGen C2673536, MONDO:0009306, OMIM 233650.

Allele frequency attached by ClinVar (database versions not stated): gnomAD exomes 0.00005 and 0.00010; ExAC 0.00014; 1000 Genomes Project 0.00020; 1000 Genomes Project 30x 0.00031; TOPMed 0.00053; gnomAD 0.00056 and 0.00062; ESP Exome Variant Server 0.00092.

Submissions (3):

ClinGen Severe Combined Immunodeficiency Variant Curation Expert Panel, ClinGen
Classification: Uncertain significance for Recombinase activating gene 2 deficiency. Last evaluated: 2024-06-10. Review status: reviewed by expert panel. Criteria: ClinGen SCID ACMG Specifications RAG2 V1.0.0. Collection method: curation. Allele origin: germline. Inheritance: Autosomal recessive inheritance.
Comment: NM_000536.4(RAG2):c.35T>C is a missense variant predicted to cause substitution of Isoleucine by Threonine at amino acid 12 (p.Ile12Thr).This missense variant is located in the core domain (amino acids 1-383) (PM1_supporting). The highest population minor allele frequency in gnomAD v4 is 0.001750 (151/75030) in African/African American population. (PM2_Supporting, BS1 and BA1 are not met). To our knowledge, this variant has not been reported in the literature in individuals affected with RAG2 related conditions or in functional studies. In summary, this variant meets the criteria to be classified as a variant of uncertain significance for autosomal recessive severe combined immunodeficiency due to RAG2 deficiency based on the ACMG/AMP criteria applied, as specified by the ClinGen SCID VCEP: PM1_supporting (VCEP specifications version 1).

Women's Health and Genetics/Laboratory Corporation of America, LabCorp
Classification: Likely benign. Last evaluated: 2026-04-17. Review status: criteria provided, single submitter. Criteria: LabCorp Variant Classification Summary - May 2015. Collection method: clinical testing. Allele origin: germline. Not counted in ClinVar's aggregate classification.
Comment: Variant summary: RAG2 c.35T>C (p.Ile12Thr) results in a non-conservative amino acid change in the encoded protein sequence. Algorithms developed to predict the effect of missense changes on protein structure and function are either unavailable or do not agree on the potential impact of this missense change. The variant allele was found at a frequency of 0.0001 in 249808 control chromosomes, predominantly at a frequency of 0.0016 within the African or African-American subpopulation in the gnomAD database. The observed variant frequency within African or African-American control individuals in the gnomAD database exceeds the estimated maximal expected allele frequency for disease-causing variants in RAG2. To our knowledge, no occurrence of c.35T>C in individuals affected with RAG2-related conditions and no experimental evidence demonstrating its impact on protein function have been reported. ClinVar contains an entry for this variant (Variation ID: 573475). Based on the evidence outlined above, the variant was classified as likely benign.

Labcorp Genetics (formerly Invitae), Labcorp
Classification: Likely benign for Combined immunodeficiency with skin granulomas; Severe combined immunodeficiency, autosomal recessive, T cell-negative, B cell-negative, NK cell-positive. Last evaluated: 2026-01-31. Review status: criteria provided, single submitter. Criteria: Invitae Variant Classification Sherloc (09022015). Collection method: clinical testing. Allele origin: germline. Not counted in ClinVar's aggregate classification.

NM_000536.4(RAG2):c.35T>C (p.Ile12Thr)

Gene: RAG2 (recombination activating 2; minus strand). Cytogenetic location: 11p12.
Variant type: single nucleotide variant.
Coding change: c.35T>C on transcript NM_000536.4 (MANE Select); coding-DNA position 35, T replaced by C.
Protein change: p.Ile12Thr; replaces isoleucine 12 with threonine.
Molecular consequence: missense variant.
Genome position (GRCh38, 1-based): chr11:36,594,134, A>G on the plus strand (T>C on the coding strand, the complement: RAG2 is on the minus strand). VCF-style: chr11-36594134-A-G. GRCh37 (hg19) VCF-style: chr11-36615684-A-G.
Other names: NM_000536.4(RAG2):c.35T>C; p.Ile12Thr; c.35T>C, p.Ile12Thr (NM_001243785.2, NM_001243786.2); short protein forms I12T.
Identifiers: ClinVar variation 573475 (VCV000573475.12), dbSNP rs146584017, ClinGen allele CA5950633.